The following is an entry in ClinVar:

NM_020800.3(IFT80):c.1187del (p.Leu396fs)

Genes: TRIM59-IFT80 (TRIM59-IFT80 readthrough (NMD candidate); minus strand), IFT80 (intraflagellar transport 80; minus strand). Cytogenetic location: 3q25.33.
Variant type: Deletion.
Coding change: c.1187del on transcript NM_020800.3 (MANE Select); coding-DNA position 1187, one base deleted (T; older notation c.1187delT).
Protein change: p.Leu396fs; shifts the reading frame from leucine 396.
Molecular consequence: frameshift variant. On other transcripts: non-coding transcript variant (3).
Genome position (GRCh38, 1-based): chr3:160,301,011, A deleted on the plus strand (T on the coding strand, the reverse complement: IFT80 is on the minus strand); the first of 3 consecutive A bases (chr3:160,301,011-160,301,013); deleting any one gives the same sequence. VCF-style (leftmost placement, unchanged base first): chr3-160301010-TA-T. GRCh37 (hg19) VCF-style: chr3-160018798-TA-T.
Other names: c.776del, p.Leu259fs (NM_001190241.2, NM_001190242.2); short protein forms L259fs, L396fs.
Identifiers: ClinVar variation 957559 (VCV000957559.7), dbSNP rs1716383227, ClinGen allele CA1139658324.

ClinVar aggregate classification (germline): Pathogenic (1 of 4 stars; one submission).

Conditions:
Jeune thoracic dystrophy. Also called: Jeune syndrome; Infantile thoracic dystrophy; Thoracic pelvic phalangeal dystrophy; Jeune's syndrome; Chondroectodermal dysplasia-like syndrome; Short-rib thoracic dysplasia. Identifiers: Orphanet 474, MedGen C0265275, MONDO:0018770.

Submission:

Labcorp Genetics (formerly Invitae), Labcorp
Classification: Pathogenic for Jeune thoracic dystrophy. Last evaluated: 2019-09-24. Review status: criteria provided, single submitter. Criteria: Invitae Variant Classification Sherloc (09022015). Collection method: clinical testing. Allele origin: germline.
Comment: For these reasons, this variant has been classified as Pathogenic. Loss-of-function variants in IFT80 are known to be pathogenic (PMID: 21227999, 23339108, 29068549). This variant has not been reported in the literature in individuals with IFT80-related conditions. This variant is not present in population databases (ExAC no frequency). This sequence change creates a premature translational stop signal (p.Leu396Tyrfs*17) in the IFT80 gene. It is expected to result in an absent or disrupted protein product.

Literature cited by the submitters: PubMed 21227999; PubMed 23339108; PubMed 29068549.